The following is an entry in ClinVar:

ClinVar aggregate classification (germline): Uncertain significance. Review status: criteria provided, multiple submitters, no conflicts (2 of 4 stars). 2 submissions from 2 submitters: Uncertain significance (2). Last evaluated 2025-10-07.

Conditions:
Imerslund-Grasbeck syndrome. Also called: ENTEROCYTE COBALAMIN MALABSORPTION; ENTEROCYTE INTRINSIC FACTOR RECEPTOR, DEFECT OF; Megaloblastic anemia due to inborn errors of metabolism; PERNICIOUS ANEMIA, JUVENILE, DUE TO SELECTIVE INTESTINAL MALABSORPTION OF VITAMIN B12, WITH PROTEINURIA; Imerslund-Gräsbeck syndrome. Identifiers: Orphanet 35858, MedGen C4551825, MONDO:0009853.
Imerslund-Grasbeck syndrome type 1 (IGS1). Also called: Megaloblastic anemia 1, Finnish type; MEGALOBLASTIC ANEMIA, 1; Imerslund-Gräsbeck syndrome 1. Identifiers: MedGen C4016819, MONDO:0100156, OMIM 261100.

Allele frequency attached by ClinVar (database versions not stated): gnomAD exomes below 0.00001; gnomAD 0.00001; TOPMed 0.00001; 1000 Genomes Project 30x 0.00016; 1000 Genomes Project 0.00020.
gnomAD v4.1: 4 of 1,613,562 alleles (0.00025%); highest among the groups gnomAD compares: Admixed American, 0.005%; no homozygotes.

Submissions (2):

Clinical Genomics Laboratory, Washington University in St. Louis
Classification: Uncertain significance for Imerslund-Grasbeck syndrome type 1. Last evaluated: 2025-10-07. Review status: criteria provided, single submitter. Criteria: ACMG Guidelines, 2015. Collection method: clinical testing. Allele origin: germline.
Comment: A CUBN c.5716T>C (p.Tyr1906His) variant was identified in a heterozygous state. This variant, to our knowledge, has not been reported in the medical literature, but has been reported as a germline variant of uncertain significance in the ClinVar database by a single submitter (ClinVar ID: 1382398). It is only observed on 4/1,613,562 alleles in the general population (gnomAD v.4.1.0), indicating it is not a common variant. Computational predictors suggest that the variant does not impact CUBN function. Due to limited information and based on ACMG/AMP guidelines for variant interpretation (Richards S et al., PMID: 25741868), the clinical significance of this variant is uncertain at this time.

Labcorp Genetics (formerly Invitae), Labcorp
Classification: Uncertain significance for Imerslund-Grasbeck syndrome. Last evaluated: 2022-06-20. Review status: criteria provided, single submitter. Criteria: Invitae Variant Classification Sherloc (09022015). Collection method: clinical testing. Allele origin: germline.
Comment: In summary, the available evidence is currently insufficient to determine the role of this variant in disease. Therefore, it has been classified as a Variant of Uncertain Significance. Algorithms developed to predict the effect of missense changes on protein structure and function are either unavailable or do not agree on the potential impact of this missense change (SIFT: "Deleterious"; PolyPhen-2: "Benign"; Align-GVGD: "Class C25"). This variant has not been reported in the literature in individuals affected with CUBN-related conditions. This variant is present in population databases (rs186721969, gnomAD 0.003%). This sequence change replaces tyrosine, which is neutral and polar, with histidine, which is basic and polar, at codon 1906 of the CUBN protein (p.Tyr1906His).

NM_001081.4(CUBN):c.5716T>C (p.Tyr1906His)

Gene: CUBN (cubilin; minus strand). Cytogenetic location: 10p13.
Variant type: single nucleotide variant.
Coding change: c.5716T>C on transcript NM_001081.4 (MANE Select); coding-DNA position 5716, T replaced by C.
Protein change: p.Tyr1906His; replaces tyrosine 1906 with histidine.
Molecular consequence: missense variant.
Genome position (GRCh38, 1-based): chr10:16,938,980, A>G on the plus strand (T>C on the coding strand, the complement: CUBN is on the minus strand). VCF-style: chr10-16938980-A-G. GRCh37 (hg19) VCF-style: chr10-16980979-A-G.
Other names: short protein forms Y1906H.
Identifiers: ClinVar variation 1382398 (VCV001382398.9), dbSNP rs186721969, ClinGen allele CA203585009.